The following is an entry in ClinVar:

NM_014141.6(CNTNAP2):c.237C>A (p.Ser79Arg)

Gene: CNTNAP2 (contactin associated protein 2; plus strand). Cytogenetic location: 7q35.
Variant type: single nucleotide variant.
Coding change: c.237C>A on transcript NM_014141.6 (MANE Select); coding-DNA position 237, C replaced by A.
Protein change: p.Ser79Arg; replaces serine 79 with arginine.
Molecular consequence: missense variant.
Genome position (GRCh38, 1-based): chr7:146,839,739, C>A. VCF-style: chr7-146839739-C-A. GRCh37 (hg19) VCF-style: chr7-146536831-C-A.
Other names: short protein forms S79R.
Identifiers: ClinVar variation 1006621 (VCV001006621.7), dbSNP rs145162968, ClinGen allele CA4545735.

ClinVar aggregate classification (germline): Uncertain significance. Review status: criteria provided, multiple submitters, no conflicts (2 of 4 stars). 2 submissions from 2 submitters: Uncertain significance (2). Last evaluated 2024-07-23.

Conditions:
Cortical dysplasia-focal epilepsy syndrome (PTHSL1). Also called: Pitt-Hopkins-like syndrome 1. Identifiers: Orphanet 163681, Orphanet 221150, MedGen C2750246, MONDO:0012400, OMIM 610042.

gnomAD v4.1: 1 of 1,614,160 alleles (0.000062%); highest among the groups gnomAD compares: Non-Finnish European, 0.000085%; no homozygotes.

Submissions (2):

Blueprint Genetics
Classification: Uncertain significance. Last evaluated: 2024-07-23. Review status: criteria provided, single submitter. Criteria: ACMG Guidelines, 2015. Collection method: clinical testing. Allele origin: germline.

Labcorp Genetics (formerly Invitae), Labcorp
Classification: Uncertain significance for Cortical dysplasia-focal epilepsy syndrome. Last evaluated: 2022-08-11. Review status: criteria provided, single submitter. Criteria: Invitae Variant Classification Sherloc (09022015). Collection method: clinical testing. Allele origin: germline.
Comment: This sequence change replaces serine, which is neutral and polar, with arginine, which is basic and polar, at codon 79 of the CNTNAP2 protein (p.Ser79Arg). This variant is present in population databases (rs145162968, gnomAD 0.006%). This variant has not been reported in the literature in individuals affected with CNTNAP2-related conditions. ClinVar contains an entry for this variant (Variation ID: 1006621). Algorithms developed to predict the effect of missense changes on protein structure and function are either unavailable or do not agree on the potential impact of this missense change (SIFT: "Deleterious"; PolyPhen-2: "Probably Damaging"; Align-GVGD: "Class C0"). In summary, the available evidence is currently insufficient to determine the role of this variant in disease. Therefore, it has been classified as a Variant of Uncertain Significance.